The following is an entry in ClinVar:

ClinVar aggregate classification (germline): Benign/Likely benign. Review status: criteria provided, multiple submitters, no conflicts (2 of 4 stars). 3 submissions from 3 submitters: Benign (1); Likely benign (1). 1 of the submissions does not count toward it. Last evaluated 2026-01-26.

Conditions:
KAT6A-related disorder. Also called: KAT6A-related condition.

Allele frequency attached by ClinVar (database versions not stated): ESP Exome Variant Server 0.00038; 1000 Genomes Project 0.00040; gnomAD exomes 0.00045 and 0.00062; ExAC 0.00047; gnomAD 0.00048 and 0.00058; 1000 Genomes Project 30x 0.00062; TOPMed 0.00070.
gnomAD v4.1: 958 of 1,585,250 alleles (0.06%); highest among the groups gnomAD compares: Non-Finnish European, 0.076%; 1 homozygote.

Submissions (3):

Labcorp Genetics (formerly Invitae), Labcorp
Classification: Likely benign. Last evaluated: 2026-01-26. Review status: criteria provided, single submitter. Criteria: Invitae Variant Classification Sherloc (09022015). Collection method: clinical testing. Allele origin: germline.

GeneDx
Classification: Benign. Last evaluated: 2021-05-09. Review status: criteria provided, single submitter. Criteria: GeneDx Variant Classification Process June 2021. Collection method: clinical testing. Allele origin: germline. Affected: yes.

PreventionGenetics, part of Exact Sciences
Classification: Likely benign for KAT6A-related condition. Last evaluated: 2024-03-15. Review status: no assertion criteria provided. Collection method: clinical testing. Allele origin: germline. Not counted in ClinVar's aggregate classification.
Comment: This variant is classified as likely benign based on ACMG/AMP sequence variant interpretation guidelines (Richards et al. 2015 PMID: 25741868, with internal and published modifications).

NM_006766.5(KAT6A):c.1741-10A>G

Gene: KAT6A (lysine acetyltransferase 6A; minus strand). Cytogenetic location: 8p11.21.
Variant type: single nucleotide variant.
Coding change: c.1741-10A>G on transcript NM_006766.5 (MANE Select); 10 bases into the intron before coding-DNA position 1741, A replaced by G.
Molecular consequence: intron variant.
Genome position (GRCh38, 1-based): chr8:41,947,922, T>C on the plus strand (A>G on the coding strand, the complement: KAT6A is on the minus strand). VCF-style: chr8-41947922-T-C. GRCh37 (hg19) VCF-style: chr8-41805440-T-C.
Other names: c.1741-10A>G (NM_001305878.2).
Identifiers: ClinVar variation 711395 (VCV000711395.13), dbSNP rs189761822, ClinGen allele CA4730037.